The following is an entry in ClinVar:

ClinVar aggregate classification (germline): Benign (1 of 4 stars; one submission).

Allele frequency attached by ClinVar (database versions not stated): TOPMed 0.48854; 1000 Genomes Project 30x 0.49750; 1000 Genomes Project 0.50479; gnomAD 0.50673 and 0.51344.
gnomAD v4.1: 78,322 of 152,084 alleles (51%); highest among the groups gnomAD compares: East Asian, 78%; 24,061 homozygotes.

Submission:

GeneDx
Classification: Benign. Last evaluated: 2018-06-14. Review status: criteria provided, single submitter. Criteria: GeneDx Variant Classification (06012015). Collection method: clinical testing. Allele origin: germline. Affected: yes.
Comment: This variant is considered likely benign or benign based on one or more of the following criteria: it is a conservative change, it occurs at a poorly conserved position in the protein, it is predicted to be benign by multiple in silico algorithms, and/or has population frequency not consistent with disease.

NM_015340.4(LARS2):c.1861+317C>A

Gene: LARS2 (leucyl-tRNA synthetase 2, mitochondrial; plus strand). Cytogenetic location: 3p21.31.
Variant type: single nucleotide variant.
Coding change: c.1861+317C>A on transcript NM_015340.4 (MANE Select); 317 bases into the intron after coding-DNA position 1861, C replaced by A.
Molecular consequence: intron variant.
Genome position (GRCh38, 1-based): chr3:45,513,552, C>A. VCF-style: chr3-45513552-C-A. GRCh37 (hg19) VCF-style: chr3-45555044-C-A.
Other names: c.1861+317C>A (NM_001368263.1).
Identifiers: ClinVar variation 684180 (VCV000684180.1), dbSNP rs2291237, ClinGen allele CA15261906.
Genomic context (GRCh38, chr3:45,513,552, plus strand): 5'-TGTATGTAACAGAGTCAACTCAGGCATGACCTCCTATCCCAGACCATCTTTGAAAGCCCA[C>A]CTCAGGGATAGAGCCCCCAGGCCCAAGACACATTCTTCCAGAACTGGGGTACTCCCAGTG-3'